The following is an entry in ClinVar:

ClinVar aggregate classification (germline): Pathogenic (1 of 4 stars; one submission).

Submission:

GeneDx
Classification: Pathogenic. Last evaluated: 2025-06-29. Review status: criteria provided, single submitter. Criteria: GeneDx Variant Classification Process June 2021. Collection method: clinical testing. Allele origin: germline. Affected: yes.
Comment: Identified via NIPT and confirmed by amniocentesis in a fetus without ultrasound abnormalities with a testing referral indication of advanced maternal age (PMID: 34358384); In silico analysis supports that this missense variant has a deleterious effect on protein structure/function; Not observed at significant frequency in large population cohorts (gnomAD); This variant is associated with the following publications: (PMID: 22779007, 34358384)

NM_001323289.2(CDKL5):c.118G>A (p.Ala40Thr)

Gene: CDKL5 (cyclin dependent kinase like 5; plus strand). Cytogenetic location: Xp22.13.
Variant type: single nucleotide variant.
Coding change: c.118G>A on transcript NM_001323289.2 (MANE Select); coding-DNA position 118, G replaced by A.
Protein change: p.Ala40Thr; replaces alanine 40 with threonine.
Molecular consequence: missense variant.
Genome position (GRCh38, 1-based): chrX:18,564,495, G>A. VCF-style: chrX-18564495-G-A. GRCh37 (hg19) VCF-style: chrX-18582615-G-A.
Other names: c.118G>A, p.Ala40Thr (NM_001037343.2, NM_003159.3); short protein forms A40T.
Identifiers: ClinVar variation 4540006 (VCV004540006.1).